The following is an entry in ClinVar:

NM_015065.3(EXPH5):c.336G>A (p.Pro112=)

Gene: EXPH5 (exophilin 5; minus strand). Cytogenetic location: 11q22.3.
Variant type: single nucleotide variant.
Coding change: c.336G>A on transcript NM_015065.3 (MANE Select); coding-DNA position 336, G replaced by A.
Protein change: p.Pro112=; no amino-acid change (proline 112 retained).
Molecular consequence: synonymous variant.
Genome position (GRCh38, 1-based): chr11:108,539,131, C>T on the plus strand (G>A on the coding strand, the complement: EXPH5 is on the minus strand). VCF-style: chr11-108539131-C-T. GRCh37 (hg19) VCF-style: chr11-108409858-C-T.
Other names: c.108G>A, p.Pro36= (NM_001144763.2); c.315G>A, p.Pro105= (NM_001308019.2).
Identifiers: ClinVar variation 2642362 (VCV002642362.24), dbSNP rs146999560, ClinGen allele CA6268298.

ClinVar aggregate classification (germline): Likely benign (1 of 4 stars; one submission).

Allele frequency attached by ClinVar (database versions not stated): ExAC 0.00005; gnomAD 0.00006; gnomAD exomes 0.00006; ESP Exome Variant Server 0.00023.
gnomAD v4.1: 101 of 1,609,984 alleles (0.0063%); highest among the groups gnomAD compares: Non-Finnish European, 0.008%; no homozygotes.

Submission:

CeGaT Center for Human Genetics Tuebingen
Classification: Likely benign. Last evaluated: 2023-06-01. Review status: criteria provided, single submitter. Criteria: CeGaT Center For Human Genetics Tuebingen Variant Classification Criteria Version 2. Collection method: clinical testing. Allele origin: germline. Affected: yes. Observed: 1 variant allele.
Comment: EXPH5: BP4, BP7